The following is an entry in ClinVar:

NM_183374.3(CYP26C1):c.713G>A (p.Arg238Gln)

Gene: CYP26C1 (cytochrome P450 family 26 subfamily C member 1; plus strand). Cytogenetic location: 10q23.33.
Variant type: single nucleotide variant.
Coding change: c.713G>A on transcript NM_183374.3 (MANE Select); coding-DNA position 713, G replaced by A.
Protein change: p.Arg238Gln; replaces arginine 238 with glutamine.
Molecular consequence: missense variant.
Genome position (GRCh38, 1-based): chr10:93,064,388, G>A. VCF-style: chr10-93064388-G-A. GRCh37 (hg19) VCF-style: chr10-94824145-G-A.
Other names: NC_000010.10:g.94824145G>A; short protein forms R238Q.
Identifiers: ClinVar variation 773001 (VCV000773001.8), dbSNP rs7917267, ClinGen allele CA5605709.

ClinVar aggregate classification (germline): Benign. Review status: criteria provided, multiple submitters, no conflicts (2 of 4 stars). 3 submissions from 3 submitters: Benign (2). 1 of the submissions does not count toward it. Last evaluated 2019-12-31.

Conditions:
CYP26C1-related disorder. Also called: CYP26C1-related condition.

Allele frequency attached by ClinVar (database versions not stated): gnomAD exomes 0.00095 and 0.00252; ExAC 0.00331; 1000 Genomes Project 0.00779; 1000 Genomes Project 30x 0.00796; gnomAD 0.01007 and 0.01088; TOPMed 0.01136; ESP Exome Variant Server 0.01246.
gnomAD v4.1: 2,993 of 1,613,464 alleles (0.19%); highest among the groups gnomAD compares: African/African-American, 3.5%; 66 homozygotes.

Submissions (5):

Labcorp Genetics (formerly Invitae), Labcorp
Classification: Benign. Last evaluated: 2019-12-31. Review status: criteria provided, single submitter. Criteria: Invitae Variant Classification Sherloc (09022015). Collection method: clinical testing. Allele origin: germline.

Breakthrough Genomics
Classification: Benign. Review status: criteria provided, single submitter. Criteria: ACMG Guidelines, 2015. Collection method: not provided. Allele origin: germline. Inheritance: Autosomal recessive inheritance. Affected: yes.

PreventionGenetics, part of Exact Sciences
Classification: Benign for CYP26C1-related condition. Last evaluated: 2019-02-21. Review status: no assertion criteria provided. Collection method: clinical testing. Allele origin: germline. Not counted in ClinVar's aggregate classification.
Comment: This variant is classified as benign based on ACMG/AMP sequence variant interpretation guidelines (Richards et al. 2015 PMID: 25741868, with internal and published modifications).

Dr. Peter K. Rogan Lab, Western University
No classification provided (evidence only). Condition: Acute myeloid leukemia. Review status: no classification provided. Collection method: in vitro. Allele origin: not applicable. Functional consequence: retained intron. Not counted in ClinVar's aggregate classification.

Dr. Peter K. Rogan Lab, Western University
No classification provided (evidence only). Condition: Uterine corpus endometrial carcinoma. Review status: no classification provided. Collection method: in vitro. Allele origin: not applicable. Functional consequence: retained intron. Not counted in ClinVar's aggregate classification.